The following is an entry in ClinVar:

NM_000246.4(CIITA):c.2026C>T (p.Gln676Ter)

Gene: CIITA (class II major histocompatibility complex transactivator; plus strand). Cytogenetic location: 16p13.13.
Variant type: single nucleotide variant.
Coding change: c.2026C>T on transcript NM_000246.4 (MANE Select); coding-DNA position 2026, C replaced by T.
Protein change: p.Gln676Ter; replaces glutamine 676 with a stop codon.
Molecular consequence: nonsense. On other transcripts: intron variant (1).
Genome position (GRCh38, 1-based): chr16:10,907,518, C>T. VCF-style: chr16-10907518-C-T. GRCh37 (hg19) VCF-style: chr16-11001375-C-T.
Other names: c.2029C>T, p.Gln677Ter (NM_001286402.1, NM_001379332.1); c.1882C>T, p.Gln628Ter (NM_001379330.1); c.1879C>T, p.Gln627Ter (NM_001379331.1); c.2026C>T, p.Gln676Ter (NM_001379333.1); c.1957C>T, p.Gln653Ter (NM_001379334.1); c.860-1465C>T (NM_001286403.2); short protein forms Q676*, Q677*, Q627*, Q628*, Q653*.
Identifiers: ClinVar variation 528779 (VCV000528779.6), dbSNP rs901844850, ClinGen allele CA394732235.

ClinVar aggregate classification (germline): Pathogenic (1 of 4 stars; one submission).

Conditions:
MHC class II deficiency. Also called: BLS, TYPE II; Bare lymphocyte syndrome 2. Identifiers: Orphanet 572, MedGen C5447452, MONDO:0008855.

Submission:

Labcorp Genetics (formerly Invitae), Labcorp
Classification: Pathogenic for MHC class II deficiency. Last evaluated: 2020-01-28. Review status: criteria provided, single submitter. Criteria: Invitae Variant Classification Sherloc (09022015). Collection method: clinical testing. Allele origin: germline.
Comment: For these reasons, this variant has been classified as Pathogenic. Loss-of-function variants in CIITA are known to be pathogenic (PMID: 8402893, 9099848, 26271388). This variant has not been reported in the literature in individuals with CIITA-related conditions. ClinVar contains an entry for this variant (Variation ID: 528779). This variant is not present in population databases (ExAC no frequency). This sequence change creates a premature translational stop signal (p.Gln676*) in the CIITA gene. It is expected to result in an absent or disrupted protein product.

Literature cited by the submitters: PubMed 8402893; PubMed 9099848; PubMed 26271388.